The following is an entry in ClinVar:

ClinVar aggregate classification (germline): Uncertain significance (1 of 4 stars; one submission).

Conditions:
Ataxia-telangiectasia syndrome (AT). Also called: Ataxia-telangiectasia, complementation group D; AT, COMPLEMENTATION GROUP C; Ataxia-telangiectasia; Ataxia telangiectasia (A-T); LOUIS-BAR SYNDROME; Cerebello-oculocutaneous telangiectasia. Identifiers: Orphanet 100, MedGen C0004135, MONDO:0008840, OMIM 208900.

Submission:

Labcorp Genetics (formerly Invitae), Labcorp
Classification: Uncertain significance for Ataxia-telangiectasia syndrome. Last evaluated: 2025-11-05. Review status: criteria provided, single submitter. Criteria: Invitae Variant Classification Sherloc (09022015). Collection method: clinical testing. Allele origin: germline.
Comment: This sequence change replaces glutamine, which is neutral and polar, with lysine, which is basic and polar, at codon 1117 of the ATM protein (p.Gln1117Lys). This variant is not present in population databases (gnomAD no frequency). This variant has not been reported in the literature in individuals affected with ATM-related conditions. Invitae Evidence Modeling of protein sequence and biophysical properties (such as structural, functional, and spatial information, amino acid conservation, physicochemical variation, residue mobility, and thermodynamic stability) indicates that this missense variant is not expected to disrupt ATM protein function with a negative predictive value of 95%. In summary, the available evidence is currently insufficient to determine the role of this variant in disease. Therefore, it has been classified as a Variant of Uncertain Significance.

NM_000051.4(ATM):c.3349C>A (p.Gln1117Lys)

Gene: ATM (ATM serine/threonine kinase; plus strand). Cytogenetic location: 11q22.3.
Variant type: single nucleotide variant.
Coding change: c.3349C>A on transcript NM_000051.4 (MANE Select); coding-DNA position 3349, C replaced by A.
Protein change: p.Gln1117Lys; replaces glutamine 1117 with lysine.
Molecular consequence: missense variant.
Genome position (GRCh38, 1-based): chr11:108,279,555, C>A. VCF-style: chr11-108279555-C-A. GRCh37 (hg19) VCF-style: chr11-108150282-C-A.
Other names: c.3349C>A, p.Gln1117Lys (NM_001351834.2); short protein forms Q1117K.
Identifiers: ClinVar variation 4747198 (VCV004747198.1).
Genomic context (GRCh38, chr11:108,279,555, plus strand): 5'-TTCCAGGACACGAAGGGAGATTCTTCCAGGTTACTGAAAGCACTTCCTTTGAAGCTTCAG[C>A]AAACAGCTTTTGAAAATGCATACTTGAAAGCTCAGGAAGGAATGAGAGAAATGGTAATTT-3'
Protein context (NP_000042.3, residues 1107-1127): LLKALPLKLQ[Gln1117Lys]TAFENAYLKA